The following is an entry in ClinVar:

NM_000455.5(STK11):c.890_893delinsTCTGCCGGATCTG (p.Arg297_Phe298delinsIleCysArgIleCys)

Gene: STK11 (serine/threonine kinase 11; plus strand). Cytogenetic location: 19p13.3.
Variant type: Indel.
Coding change: c.890_893delinsTCTGCCGGATCTG on transcript NM_000455.5 (MANE Select); coding-DNA positions 890 to 893, GGTT replaced by TCTGCCGGATCTG.
Protein change: p.Arg297_Phe298delinsIleCysArgIleCys.
Molecular consequence: inframe indel. On other transcripts: non-coding transcript variant (1).
Genome position (GRCh38, 1-based): chr19:1,221,976-1,221,979, GGTT replaced by TCTGCCGGATCTG. VCF-style: chr19-1221976-GGTT-TCTGCCGGATCTG. GRCh37 (hg19) VCF-style: chr19-1221975-GGTT-TCTGCCGGATCTG.
Other names: c.890_893delinsTCTGCCGGATCTG, p.Arg297_Phe298delinsIleCysArgIleCys (NM_001407255.1).
Identifiers: ClinVar variation 3382040 (VCV003382040.2).

ClinVar aggregate classification (germline): Uncertain significance (1 of 4 stars; one submission).

Conditions:
Peutz-Jeghers syndrome (PJS). Also called: Peutz-Jeghers polyposis; Periorificial lentiginosis syndrome; POLYPOSIS, HAMARTOMATOUS INTESTINAL; POLYPS-AND-SPOTS SYNDROME. Identifiers: Orphanet 2869, MedGen C0031269, MeSH D010580, MONDO:0008280, OMIM 175200.

Submission:

Juno Genomics, Hangzhou Juno Genomics, Inc
Classification: Uncertain significance for Peutz-Jeghers syndrome. Review status: criteria provided, single submitter. Criteria: ACMG Guidelines, 2015. Collection method: clinical testing. Allele origin: germline. Affected: yes.
Comment: Absent from controls (or at extremely low frequency if recessive) in Genome Aggregation Database, Exome Sequencing Project, 1000 Genomes Project, or Exome Aggregation Consortium.;Protein length changes due to in-frame deletions/insertions in a non-repeat region or stop-loss variants.;Patient's phenotype or family history is highly specific for a disease with a single genetic etiology.